The following is an entry in ClinVar:

ClinVar aggregate classification (germline): Uncertain significance. Review status: criteria provided, multiple submitters, no conflicts (2 of 4 stars). 2 submissions from 2 submitters: Uncertain significance (2). Last evaluated 2024-07-11.

Conditions:
Cardiovascular phenotype. Identifiers: MedGen CN230736.

Allele frequency attached by ClinVar (database versions not stated): TOPMed below 0.00001.
gnomAD v4.1: 15 of 1,614,172 alleles (0.00093%); highest among the groups gnomAD compares: East Asian, 0.0022%; no homozygotes.

Submissions (2):

Ambry Genetics
Classification: Uncertain significance for Cardiovascular phenotype. Last evaluated: 2024-07-11. Review status: criteria provided, single submitter. Criteria: Ambry Variant Classification Scheme 2023. Collection method: clinical testing. Allele origin: germline.
Comment: The p.P1728L variant (also known as c.5183C>T), located in coding exon 12 of the ALPK3 gene, results from a C to T substitution at nucleotide position 5183. The proline at codon 1728 is replaced by leucine, an amino acid with similar properties. This amino acid position is conserved. In addition, this alteration is predicted to be tolerated by in silico analysis. Since supporting evidence is limited at this time, the clinical significance of this alteration remains unclear.

Labcorp Genetics (formerly Invitae), Labcorp
Classification: Uncertain significance. Last evaluated: 2024-01-15. Review status: criteria provided, single submitter. Criteria: Invitae Variant Classification Sherloc (09022015). Collection method: clinical testing. Allele origin: germline.
Comment: This sequence change replaces proline, which is neutral and non-polar, with leucine, which is neutral and non-polar, at codon 1728 of the ALPK3 protein (p.Pro1728Leu). This variant is not present in population databases (gnomAD no frequency). This variant has not been reported in the literature in individuals affected with ALPK3-related conditions. ClinVar contains an entry for this variant (Variation ID: 1745870). An algorithm developed to predict the effect of missense changes on protein structure and function (PolyPhen-2) suggests that this variant is likely to be disruptive. In summary, the available evidence is currently insufficient to determine the role of this variant in disease. Therefore, it has been classified as a Variant of Uncertain Significance.

NM_020778.5(ALPK3):c.4577C>T (p.Pro1526Leu)

Gene: ALPK3 (alpha kinase 3; plus strand). Cytogenetic location: 15q25.3.
Variant type: single nucleotide variant.
Coding change: c.4577C>T on transcript NM_020778.5 (MANE Select); coding-DNA position 4577, C replaced by T.
Protein change: p.Pro1526Leu; replaces proline 1526 with leucine.
Molecular consequence: missense variant.
Genome position (GRCh38, 1-based): chr15:84,864,519, C>T. VCF-style: chr15-84864519-C-T. GRCh37 (hg19) VCF-style: chr15-85407750-C-T.
Other names: short protein forms P1526L.
Identifiers: ClinVar variation 1745870 (VCV001745870.7), dbSNP rs758113429, ClinGen allele CA393364953.
Genomic context (GRCh38, chr15:84,864,519, plus strand): 5'-TGATCTACCGGCCTGCAAACAATATCCCATATGCTACCCTGGAGGAAGACCTGGGCAAGC[C>T]CCTGGAGTCTTACTGTTCTCGGGAATGGGGCTGTGCTGAGGCTCCGACAGCATCTGGCAG-3'
Protein context (NP_065829.4, residues 1516-1536): YATLEEDLGK[Pro1526Leu]LESYCSREWG